The following is an entry in ClinVar:

NM_001077525.3(MTMR14):c.1382C>T (p.Thr461Ile)

Gene: MTMR14 (myotubularin related protein 14; plus strand). Cytogenetic location: 3p25.3.
Variant type: single nucleotide variant.
Coding change: c.1382C>T on transcript NM_001077525.3 (MANE Select); coding-DNA position 1382, C replaced by T.
Protein change: p.Thr461Ile; replaces threonine 461 with isoleucine.
Molecular consequence: missense variant. On other transcripts: non-coding transcript variant (9).
Genome position (GRCh38, 1-based): chr3:9,689,031, C>T. VCF-style: chr3-9689031-C-T. GRCh37 (hg19) VCF-style: chr3-9730715-C-T.
Other names: c.1382C>T, p.Thr461Ile (NM_001077526.3, NM_022485.5); c.1451C>T, p.Thr484Ile (NM_001400518.1, NM_001400521.1); c.1379C>T, p.Thr460Ile (NM_001400519.1, NM_001400522.1); c.1307C>T, p.Thr436Ile (NM_001400520.1, NM_001400523.1, NM_001400528.1); c.1136C>T, p.Thr379Ile (NM_001400524.1, NM_001400527.1, NM_001400530.1); c.1100C>T, p.Thr367Ile (NM_001400525.1, NM_001400529.1, NM_001400532.1); c.1376C>T, p.Thr459Ile (NM_001400526.1); c.740C>T, p.Thr247Ile (NM_001400541.1, NM_001400542.1, NM_001400543.1 and 7 more transcripts); and 5 more; short protein forms T174I, T222I, T247I, T342I, T354I, T367I, T378I, T379I.
Identifiers: ClinVar variation 3619052 (VCV003619052.2).

ClinVar aggregate classification (germline): Uncertain significance (1 of 4 stars; one submission).

gnomAD v4.1: 27 of 1,613,702 alleles (0.0017%); highest among the groups gnomAD compares: Non-Finnish European, 0.0022%; no homozygotes.

Submission:

Labcorp Genetics (formerly Invitae), Labcorp
Classification: Uncertain significance. Last evaluated: 2024-03-27. Review status: criteria provided, single submitter. Criteria: Invitae Variant Classification Sherloc (09022015). Collection method: clinical testing. Allele origin: germline.
Comment: This sequence change replaces threonine, which is neutral and polar, with isoleucine, which is neutral and non-polar, at codon 461 of the MTMR14 protein (p.Thr461Ile). This variant is present in population databases (rs755617008, gnomAD 0.004%). This variant has not been reported in the literature in individuals affected with MTMR14-related conditions. Advanced modeling of protein sequence and biophysical properties (such as structural, functional, and spatial information, amino acid conservation, physicochemical variation, residue mobility, and thermodynamic stability) performed at Invitae indicates that this missense variant is not expected to disrupt MTMR14 protein function with a negative predictive value of 80%. In summary, the available evidence is currently insufficient to determine the role of this variant in disease. Therefore, it has been classified as a Variant of Uncertain Significance.